The following is an entry in ClinVar:

ClinVar aggregate classification (germline): Benign (1 of 4 stars; one submission).

Conditions:
Familial adenomatous polyposis 1 (FAP1). Also called: POLYPOSIS, ADENOMATOUS INTESTINAL; FAMILIAL ADENOMATOUS POLYPOSIS 1, ATTENUATED. Identifiers: MedGen C2713442, MONDO:0021056, OMIM 175100. Disease mechanism: loss of function.

Submission:

Myriad Genetics, Inc.
Classification: Benign for Familial adenomatous polyposis 1. Last evaluated: 2024-03-15. Review status: criteria provided, single submitter. Criteria: Myriad Autosomal Dominant, Autosomal Recessive and X-Linked Classification Criteria (2023). Collection method: clinical testing. Allele origin: unknown.
Comment: This variant is considered benign. This variant is a silent/synonymous amino acid change and it is not expected to impact splicing.

NM_000038.6(APC):c.2781T>C (p.Ala927=)

Gene: APC (APC regulator of Wnt signaling pathway; plus strand). Cytogenetic location: 5q22.2.
Variant type: single nucleotide variant.
Coding change: c.2781T>C on transcript NM_000038.6 (MANE Select); coding-DNA position 2781, T replaced by C.
Protein change: p.Ala927=; no amino-acid change (alanine 927 retained).
Molecular consequence: synonymous variant. On other transcripts: non-coding transcript variant (2).
Genome position (GRCh38, 1-based): chr5:112,838,375, T>C. VCF-style: chr5-112838375-T-C. GRCh37 (hg19) VCF-style: chr5-112174072-T-C.
Other names: c.2727T>C, p.Ala909= (NM_001127511.3); c.2781T>C, p.Ala927= (NM_001354895.2, NM_001407450.1, NM_001127510.3); c.2835T>C, p.Ala945= (NM_001354896.2, NM_001407447.1, NM_001407448.1 and 1 more transcripts); c.2811T>C, p.Ala937= (NM_001354897.2); c.2706T>C, p.Ala902= (NM_001354898.2); c.2697T>C, p.Ala899= (NM_001354899.2); c.2658T>C, p.Ala886= (NM_001354900.2); c.2604T>C, p.Ala868= (NM_001354901.2, NM_001407453.1); and 11 more.
Identifiers: ClinVar variation 3148661 (VCV003148661.1), dbSNP rs2149877263, ClinGen allele CA445962875.
Genomic context (GRCh38, chr5:112,838,375, plus strand): 5'-GTCTACCACTGAATTACATTGTGTGACAGATGAGAGAAATGCACTTAGAAGAAGCTCTGC[T>C]GCCCATACACATTCAAACACTTACAATTTCACTAAGTCGGAAAATTCAAATAGGACATGT-3'
Protein context (NP_000029.2, residues 917-937): DERNALRRSS[Ala927=]AHTHSNTYNF